The following is an entry in ClinVar:

ClinVar aggregate classification (germline): Pathogenic/Likely pathogenic. Review status: criteria provided, multiple submitters, no conflicts (2 of 4 stars). 11 submissions from 11 submitters: Pathogenic (10); Likely pathogenic (1). Last evaluated 2025-10-23.

Conditions:
GBA1-related disorder. Also called: GBA1-related condition.
GBA-related disorder. Also called: GBA-related disorders.
Gaucher disease. Also called: Acute cerebral Gaucher disease; Cerebroside lipidosis syndrome; Gaucher splenomegaly; Sphingolipidosis 1; Glucocerebrosidosis; Glucosylceramidase deficiency. Identifiers: Orphanet 355, MedGen C0017205, MONDO:0018150.
Gaucher disease type I (GD1). Also called: ACID BETA-GLUCOSIDASE DEFICIENCY; GAUCHER DISEASE, NONCEREBRAL JUVENILE; GBA DEFICIENCY; GD I; GLUCOCEREBROSIDASE DEFICIENCY; Type 1 Gaucher Disease. Identifiers: Orphanet 355, Orphanet 77259, MedGen C1961835, MONDO:0009265, OMIM 230800.
Gaucher disease type II (GD2). Also called: GAUCHER DISEASE, ACUTE NEURONOPATHIC TYPE; GD II; Type 2 Gaucher disease (Acute; Infantile); Acute neuronopathic Gaucher's disease. Identifiers: Orphanet 77260, MedGen C0268250, MONDO:0009266, OMIM 230900.
Gaucher disease type III. Also called: GAUCHER DISEASE, CHRONIC NEURONOPATHIC TYPE; GAUCHER DISEASE, JUVENILE AND ADULT, CEREBRAL; GAUCHER DISEASE, SUBACUTE NEURONOPATHIC TYPE; GD III; Gaucher Disease, Type 3; Type 3 Gaucher disease (Subacute; Juvenile). Identifiers: Orphanet 355, Orphanet 77261, MedGen C0268251, MONDO:0009267, OMIM 231000.
Parkinson disease, late-onset (PD). Also called: Hereditary late onset Parkinson disease; Susceptibility to Parkinson's Disease; PARKINSON DISEASE, LATE-ONSET, SUSCEPTIBILITY TO. Identifiers: Orphanet 411602, MedGen C3160718, MONDO:0008199, OMIM 168600.
Lewy body dementia (DLB). Also called: Lewy Body Disease. Identifiers: MedGen C0752347, MONDO:0007488, OMIM 127750.
Gaucher disease perinatal lethal. Also called: Gaucher disease collodion type; Gaucher Disease, Perinatal-Lethal Form. Identifiers: Orphanet 85212, MedGen C1842704, MONDO:0011945, OMIM 608013.
Gaucher disease-ophthalmoplegia-cardiovascular calcification syndrome. Also called: GAUCHER DISEASE, TYPE IIIC. Identifiers: Orphanet 2072, MedGen C1856476, MONDO:0009268, OMIM 231005.

Allele frequency attached by ClinVar (database versions not stated): gnomAD 0.00001; gnomAD exomes 0.00001; TOPMed 0.00002.
gnomAD v4.1: 17 of 1,584,208 alleles (0.0011%); highest among the groups gnomAD compares: Admixed American, 0.0018%; no homozygotes.

Submissions (11):

Natera, Inc.
Classification: Pathogenic for Gaucher disease. Last evaluated: 2025-10-23. Review status: criteria provided, single submitter. Criteria: Natera Variant Classification Schema (03/2026). Collection method: clinical testing. Allele origin: germline.
Comment: The c.604C>T variant in GBA1 is a nonsense variant predicted to introduce a stop codon at amino acid 202. This variant is expected to result in nonsense mediated decay, truncation, or a dysfunctional protein product. This variant is rare in the general population with a frequency below the threshold expected for the associated phenotype(s). This variant has been observed in one or more individuals affected with the associated recessive disease, as either homozygous or compound heterozygous with a second variant (PMID: 9554454, 34134921). Given the available evidence, this variant is classified as Pathogenic.

Laboratory of Genetics, Children's Clinical University Hospital Latvia
Classification: Pathogenic. Last evaluated: 2025-02-16. Review status: criteria provided, single submitter. Criteria: ACMG Guidelines, 2015. Collection method: clinical testing. Allele origin: germline. Affected: yes.

Blueprint Genetics
Classification: Pathogenic for GBA-related disorders. Last evaluated: 2024-04-23. Review status: criteria provided, single submitter. Criteria: ACMG Guidelines, 2015. Collection method: clinical testing. Allele origin: germline. Affected: yes. Observed: 1 variant allele.

GeneDx
Classification: Pathogenic. Last evaluated: 2023-12-28. Review status: criteria provided, single submitter. Criteria: GeneDx Variant Classification Process June 2021. Collection method: clinical testing. Allele origin: germline. Affected: yes.
Comment: Nonsense variant predicted to result in protein truncation or nonsense mediated decay in a gene for which loss-of-function is a known mechanism of disease; Also known as p.(R163*); This variant is associated with the following publications: (PMID: 33505021, 34134921, 17427031, 22133539, 10649495, Markuszewska-Kuczyska2014[ARTICLE], 32099816, 9516376, 23699752, 27872820, 25525159, 34820281, 35052839, 29934114, 29625627)

PreventionGenetics, part of Exact Sciences
Classification: Pathogenic for GBA1-related condition. Last evaluated: 2023-09-25. Review status: criteria provided, single submitter. Criteria: ACMG Guidelines, 2015. Collection method: clinical testing. Allele origin: germline.
Comment: The GBA1 c.604C>T variant is predicted to result in premature protein termination (p.Arg202*). This variant (also known as 604C>T, p.Arg163*) has been reported in patients with Gaucher disease (Beutler et al. 1998. PubMed ID: 9516376; Table 1, Alfonso et al. 2007. PubMed ID: 17427031; compound heterozygous in Giraldo et al. 2012. PubMed ID: 22429443; Silva García et al. 2021. PubMed ID: 34134921). It has also been reported in the heterozygous state in patients with Parkinson's disease (Table e2, Chahine et al. 2013. PubMed ID: 23699752; Mata et al. 2015. PubMed ID: 26296077). This variant is reported in 0.0020% of alleles in individuals of European (Non-Finnish) descent in gnomAD. Nonsense variants in GBA1 are expected to be pathogenic. This variant is interpreted as pathogenic.

Revvity Omics, Revvity
Classification: Pathogenic. Last evaluated: 2023-02-15. Review status: criteria provided, single submitter. Criteria: ACMG Guidelines, 2015. Collection method: clinical testing. Allele origin: germline.

Women's Health and Genetics/Laboratory Corporation of America, LabCorp
Classification: Pathogenic for Gaucher disease. Last evaluated: 2021-09-24. Review status: criteria provided, single submitter. Criteria: LabCorp Variant Classification Summary - May 2015. Collection method: clinical testing. Allele origin: germline.
Comment: Variant summary: GBA c.604C>T (p.Arg202X) (legacy name R163X) results in a premature termination codon, predicted to cause a truncation of the encoded protein or absence of the protein due to nonsense mediated decay, which are commonly known mechanisms for disease. Truncations downstream of this position have been classified as pathogenic by our laboratory. The variant allele was found at a frequency of 5.1e-06 in 195678 control chromosomes. c.604C>T has been reported in the literature as a compound heterozygous genotype among individuals affected with Gaucher Disease as well as among carriers with Parkinson disease (example, Alfonso_2007, Giraldo_2011, Mata_2016, Garcia_2021). These data indicate that the variant is likely to be associated with disease. To our knowledge, no experimental evidence demonstrating an impact on protein function has been reported. One clinical diagnostic laboratory has submitted clinical significance assessment for this variant to ClinVar after 2014 and classified the variant as pathogenic. Based on the evidence outlined above, the variant was classified as pathogenic.

ARUP Laboratories, Molecular Genetics and Genomics, ARUP Laboratories
Classification: Pathogenic. Last evaluated: 2021-08-10. Review status: criteria provided, single submitter. Criteria: ARUP Molecular Germline Variant Investigation Process 2021. Collection method: clinical testing. Allele origin: germline.
Comment: The GBA c.604C>T; p.Arg202Ter variant (rs1009850780), also known in alternative nomenclature as p.Arg163Ter, is reported in the literature in multiple individuals affected with Gaucher disease that each also carried a second pathogenic variant (Demina 1998, Horovenko 2007, Lei 2018). The p.Arg202Ter variant is found on only two chromosomes in the Genome Aggregation Database (2/226974 alleles), indicating it is not a common polymorphism. This variant induces an early termination codon and is predicted to result in a truncated protein or mRNA subject to nonsense-mediated decay. Based on available information, this variant is considered to be pathogenic. References: Demina A and Beutler E. Six new Gaucher disease mutations. Acta Haematol. 1998;99(2):80-2. PMID: 9554454. Horovenko NH et al. Detection of the frequencies of GBA gene major mutations in patients with Gaucher disease in Ukraine. Tsitol Genet. 2007 Jul-Aug;41(4):41-7. PMID: 18030725. Lei K et al. A pilot screening of high-risk Gaucher disease children using dried blood spot methods in Shandong province of China. Orphanet J Rare Dis. 2018 Apr 6;13(1):48. PMID: 29625627.

Fulgent Genetics
Classification: Pathogenic for Parkinson disease, late-onset. Last evaluated: 2021-05-03. Review status: criteria provided, single submitter. Criteria: ACMG Guidelines, 2015. Collection method: clinical testing. Allele origin: germline. Affected: yes.

AiLife Diagnostics
Classification: Likely pathogenic. Last evaluated: 2020-12-09. Review status: criteria provided, single submitter. Criteria: ACMG Guidelines, 2015. Collection method: clinical testing. Allele origin: germline. Affected: yes. Observed: 1 variant allele.

Juno Genomics, Hangzhou Juno Genomics, Inc
Classification: Pathogenic for Lewy body dementia; Parkinson disease, late-onset; Gaucher disease perinatal lethal; Gaucher disease type I; Gaucher disease type II; Gaucher disease type III; Gaucher disease-ophthalmoplegia-cardiovascular calcification syndrome. Review status: criteria provided, single submitter. Criteria: ACMG Guidelines, 2015. Collection method: clinical testing. Allele origin: germline. Affected: yes.
Comment: Absent from controls (or at extremely low frequency if recessive) in Genome Aggregation Database, Exome Sequencing Project, 1000 Genomes Project, or Exome Aggregation Consortium.;Null variant in a gene where loss of function (LOF) is a known mechanism of disease.;For recessive disorders, detected in trans with a pathogenic variant.;Patient's phenotype or family history is highly specific for a disease with a single genetic etiology.

Literature cited by the submitters: PubMed 9554454 (cited by Natera, Inc.); PubMed 34134921 (cited by Natera, Inc. and Women's Health and Genetics/Laboratory Corporation of America, LabCorp); PubMed 17427031 (cited by Women's Health and Genetics/Laboratory Corporation of America, LabCorp); PubMed 22429443 (cited by Women's Health and Genetics/Laboratory Corporation of America, LabCorp); PubMed 26296077 (cited by Women's Health and Genetics/Laboratory Corporation of America, LabCorp); PubMed 9516376 (cited by AiLife Diagnostics); PubMed 23699752 (cited by AiLife Diagnostics); PubMed 29625627 (cited by AiLife Diagnostics); PubMed 25525159 (cited by AiLife Diagnostics).

NM_000157.4(GBA1):c.604C>T (p.Arg202Ter)

Genes: GBA1 (glucosylceramidase beta 1; minus strand), LOC106627981 (GBA recombination region; plus strand). Cytogenetic location: 1q22.
Variant type: single nucleotide variant.
Coding change: c.604C>T on transcript NM_000157.4 (MANE Select); coding-DNA position 604, C replaced by T.
Protein change: p.Arg202Ter; replaces arginine 202 with a stop codon.
Molecular consequence: nonsense.
Genome position (GRCh38, 1-based): chr1:155,238,291, G>A on the plus strand (C>T on the coding strand, the complement: GBA1 is on the minus strand). VCF-style: chr1-155238291-G-A. GRCh37 (hg19) VCF-style: chr1-155208082-G-A.
Other names: c.604C>T (NM_000157.3); c.604C>T, p.Arg202Ter (NM_001005741.3, NM_001005742.3); c.343C>T, p.Arg115Ter (NM_001171811.2); c.457C>T, p.Arg153Ter (NM_001171812.2); short protein forms R115*, R153*, R202*.
Identifiers: ClinVar variation 1119997 (VCV001119997.23), dbSNP rs1009850780, ClinGen allele CA30895591.